The following is an entry in ClinVar:

NM_017780.4(CHD7):c.7256A>G (p.Asn2419Ser)

Gene: CHD7 (chromodomain helicase DNA binding protein 7; plus strand). Cytogenetic location: 8q12.2.
Variant type: single nucleotide variant.
Coding change: c.7256A>G on transcript NM_017780.4 (MANE Select); coding-DNA position 7256, A replaced by G.
Protein change: p.Asn2419Ser; replaces asparagine 2419 with serine.
Molecular consequence: missense variant. On other transcripts: intron variant (1).
Genome position (GRCh38, 1-based): chr8:60,856,536, A>G. VCF-style: chr8-60856536-A-G. GRCh37 (hg19) VCF-style: chr8-61769095-A-G.
Other names: c.1717-5693A>G (NM_001316690.1); short protein forms N2419S.
Identifiers: ClinVar variation 1028061 (VCV001028061.5), dbSNP rs1805721790, ClinGen allele CA371300317.

ClinVar aggregate classification (germline): Uncertain significance. Review status: criteria provided, multiple submitters, no conflicts (2 of 4 stars). 2 submissions from 2 submitters: Uncertain significance (2). Last evaluated 2022-10-12.

Conditions:
CHARGE syndrome (CHARGE). Also called: Hittner Hirsch Kreh syndrome; Coloboma, heart anomaly, choanal atresia, retardation, genital and ear anomalies; CHARGE association; Hall-Hittner syndrome; CHARGE ASSOCIATION--COLOBOMA, HEART ANOMALY, CHOANAL ATRESIA, RETARDATION, GENITAL AND EAR ANOMALIES. Identifiers: Orphanet 138, MedGen C0265354, MONDO:0008965.

Submissions (2):

Labcorp Genetics (formerly Invitae), Labcorp
Classification: Uncertain significance for CHARGE syndrome. Last evaluated: 2022-10-12. Review status: criteria provided, single submitter. Criteria: Invitae Variant Classification Sherloc (09022015). Collection method: clinical testing. Allele origin: germline.
Comment: In summary, the available evidence is currently insufficient to determine the role of this variant in disease. Therefore, it has been classified as a Variant of Uncertain Significance. Advanced modeling of protein sequence and biophysical properties (such as structural, functional, and spatial information, amino acid conservation, physicochemical variation, residue mobility, and thermodynamic stability) performed at Invitae indicates that this missense variant is not expected to disrupt CHD7 protein function. ClinVar contains an entry for this variant (Variation ID: 1028061). This variant has not been reported in the literature in individuals affected with CHD7-related conditions. This variant is not present in population databases (gnomAD no frequency). This sequence change replaces asparagine, which is neutral and polar, with serine, which is neutral and polar, at codon 2419 of the CHD7 protein (p.Asn2419Ser).

Baylor Genetics
Classification: Uncertain significance for CHD7-related CHARGE syndrome. Last evaluated: 2020-01-20. Review status: criteria provided, single submitter. Criteria: ACMG Guidelines, 2015. Collection method: clinical testing. Allele origin: unknown. Affected: yes.
Comment: This variant was determined to be of uncertain significance according to ACMG Guidelines, 2015 [PMID:25741868].